The following is an entry in ClinVar:

NM_014444.5(TUBGCP4):c.362A>G (p.His121Arg)

Gene: TUBGCP4 (tubulin gamma complex component 4; plus strand). Cytogenetic location: 15q15.3.
Variant type: single nucleotide variant.
Coding change: c.362A>G on transcript NM_014444.5 (MANE Select); coding-DNA position 362, A replaced by G.
Protein change: p.His121Arg; replaces histidine 121 with arginine.
Molecular consequence: missense variant.
Genome position (GRCh38, 1-based): chr15:43,377,045, A>G. VCF-style: chr15-43377045-A-G. GRCh37 (hg19) VCF-style: chr15-43669243-A-G.
Other names: c.362A>G, p.His121Arg (NM_001286414.3); c.362A>G (NM_014444.2); short protein forms H121R.
Identifiers: ClinVar variation 1352509 (VCV001352509.7), dbSNP rs781252083, ClinGen allele CA269985309.

ClinVar aggregate classification (germline): Uncertain significance. Review status: criteria provided, multiple submitters, no conflicts (2 of 4 stars). 2 submissions from 2 submitters: Uncertain significance (2). Last evaluated 2024-06-18.

Conditions:
Inborn genetic diseases. Identifiers: MedGen C0950123, MeSH D030342.

Allele frequency attached by ClinVar (database versions not stated): TOPMed below 0.00001; gnomAD exomes 0.00001; gnomAD 0.00002.
gnomAD v4.1: 15 of 1,613,912 alleles (0.00093%); highest among the groups gnomAD compares: African/African-American, 0.0053%; no homozygotes.

Submissions (2):

Ambry Genetics
Classification: Uncertain significance for Inborn genetic diseases. Last evaluated: 2024-06-18. Review status: criteria provided, single submitter. Criteria: Ambry Variant Classification Scheme 2023. Collection method: clinical testing. Allele origin: germline.

Labcorp Genetics (formerly Invitae), Labcorp
Classification: Uncertain significance. Last evaluated: 2021-08-13. Review status: criteria provided, single submitter. Criteria: Invitae Variant Classification Sherloc (09022015). Collection method: clinical testing. Allele origin: germline.
Comment: This sequence change replaces histidine with arginine at codon 121 of the TUBGCP4 protein (p.His121Arg). The histidine residue is highly conserved and there is a small physicochemical difference between histidine and arginine. This variant is not present in population databases (ExAC no frequency). This variant has not been reported in the literature in individuals affected with TUBGCP4-related conditions. Algorithms developed to predict the effect of missense changes on protein structure and function are either unavailable or do not agree on the potential impact of this missense change (SIFT: "Tolerated"; PolyPhen-2: "Possibly Damaging"; Align-GVGD: "Class C0"). In summary, the available evidence is currently insufficient to determine the role of this variant in disease. Therefore, it has been classified as a Variant of Uncertain Significance.